The following is an entry in ClinVar:

ClinVar aggregate classification (germline): Uncertain significance (1 of 4 stars; one submission).

Submission:

Labcorp Genetics (formerly Invitae), Labcorp
Classification: Uncertain significance. Last evaluated: 2023-09-25. Review status: criteria provided, single submitter. Criteria: Invitae Variant Classification Sherloc (09022015). Collection method: clinical testing. Allele origin: germline.
Comment: This sequence change replaces glutamine, which is neutral and polar, with leucine, which is neutral and non-polar, at codon 71 of the HOXB13 protein (p.Gln71Leu). In summary, the available evidence is currently insufficient to determine the role of this variant in disease. Therefore, it has been classified as a Variant of Uncertain Significance. Advanced modeling of protein sequence and biophysical properties (such as structural, functional, and spatial information, amino acid conservation, physicochemical variation, residue mobility, and thermodynamic stability) performed at Invitae indicates that this missense variant is not expected to disrupt HOXB13 protein function. This variant has not been reported in the literature in individuals affected with HOXB13-related conditions. This variant is not present in population databases (gnomAD no frequency).

NM_006361.6(HOXB13):c.212A>T (p.Gln71Leu)

Gene: HOXB13 (homeobox B13; minus strand). Cytogenetic location: 17q21.32.
Variant type: single nucleotide variant.
Coding change: c.212A>T on transcript NM_006361.6 (MANE Select); coding-DNA position 212, A replaced by T.
Protein change: p.Gln71Leu; replaces glutamine 71 with leucine.
Molecular consequence: missense variant.
Genome position (GRCh38, 1-based): chr17:48,728,382, T>A on the plus strand (A>T on the coding strand, the complement: HOXB13 is on the minus strand). VCF-style: chr17-48728382-T-A. GRCh37 (hg19) VCF-style: chr17-46805744-T-A.
Other names: short protein forms Q71L.
Identifiers: ClinVar variation 2763229 (VCV002763229.3), dbSNP rs1597934778, ClinGen allele CA400107914.